The following is an entry in ClinVar:

ClinVar aggregate classification (germline): Uncertain significance (0 of 4 stars; one submission).

Submission:

Genetic Services Laboratory, University of Chicago
Classification: Uncertain significance. Last evaluated: 2022-09-07. Review status: no assertion criteria provided. Collection method: clinical testing. Allele origin: germline. Affected: no.
Comment: DNA sequence analysis of the SLX4 gene demonstrated a deletion and insertion of two base pairs in exon 14, c.4808_4809delinsCT. This in-frame deletion/insertion is predicted to result in a missense change, p.His1603Pro. This sequence change does not appear to have been previously described in individuals with SLX4-related disorders and has also not been described in population databases such as ExAC and gnomAD. The p.His1603Pro change affects a highly conserved amino acid residue located in a domain of the XRCC2 protein that is not known to be functional. The p.His1603Pro substitution appears to be deleterious using several in-silico pathogenicity prediction tools (SIFT, PolyPhen2, Align GVGD). Due to insufficient evidences and the lack of functional studies, the clinical significance of the p.His1603Pro change remains unknown at this time.

NM_032444.4(SLX4):c.4808_4809delinsCT (p.His1603Pro)

Gene: SLX4 (SLX4 structure-specific endonuclease subunit; minus strand). Cytogenetic location: 16p13.3.
Variant type: Indel.
Coding change: c.4808_4809delinsCT on transcript NM_032444.4 (MANE Select); coding-DNA positions 4808 to 4809, AC replaced by CT.
Protein change: p.His1603Pro; replaces histidine 1603 with proline.
Molecular consequence: missense variant.
Genome position (GRCh38, 1-based): chr16:3,583,441-3,583,442, GT replaced by AG on the plus strand (AC replaced by CT on the coding strand, the reverse complement: SLX4 is on the minus strand). VCF-style: chr16-3583441-GT-AG. GRCh37 (hg19) VCF-style: chr16-3633442-GT-AG.
Other names: short protein forms H1603P.
Identifiers: ClinVar variation 2443266 (VCV002443266.2), dbSNP rs2548207520, ClinGen allele CA2580091100.
Genomic context (GRCh38, chr16:3,583,441, plus strand): 5'-CGCCTGCAACAGCGGCTGTGAGGACTGGCTCTCGTCCTCGGAGTCTGAGTCCAGGGTCTG[GT>AG]GAGTGTACTGGAATATCTCCTTCAGCTTCAGAACCATCTGGCGTTTAGGCAGAGGGCGGA-3'
Protein context (NP_115820.2, residues 1593-1613): LKLKEIFQYT[His1603Pro]QTLDSDSEDE